The following is an entry in ClinVar:

ClinVar aggregate classification (germline): Uncertain significance. Review status: criteria provided, multiple submitters, no conflicts (2 of 4 stars). 4 submissions from 4 submitters: Uncertain significance (4). Last evaluated 2025-12-15.

Conditions:
Hereditary nonpolyposis colorectal neoplasms. Identifiers: MedGen C0009405, MeSH D003123.
Hereditary cancer-predisposing syndrome. Also called: Tumor predisposition; Hereditary neoplastic syndrome; Hereditary Cancer Syndrome; Neoplastic Syndromes, Hereditary. Identifiers: Orphanet 140162, MedGen C0027672, MeSH D009386, MONDO:0015356.

Allele frequency attached by ClinVar (database versions not stated): TOPMed below 0.00001; gnomAD 0.00001.

Submissions (4):

Ambry Genetics
Classification: Uncertain significance for Hereditary cancer-predisposing syndrome. Last evaluated: 2025-12-15. Review status: criteria provided, single submitter. Criteria: Ambry Variant Classification Scheme 2023. Collection method: clinical testing. Allele origin: germline.
Comment: The p.F267L variant (also known as c.799T>C), located in coding exon 7 of the PMS2 gene, results from a T to C substitution at nucleotide position 799. The phenylalanine at codon 267 is replaced by leucine, an amino acid with highly similar properties. This amino acid position is well conserved in available vertebrate species. In addition, the in silico prediction for this alteration is inconclusive. Based on the available evidence, the clinical significance of this variant remains unclear.

Labcorp Genetics (formerly Invitae), Labcorp
Classification: Uncertain significance for Hereditary nonpolyposis colorectal neoplasms. Last evaluated: 2025-11-30. Review status: criteria provided, single submitter. Criteria: Invitae Variant Classification Sherloc (09022015). Collection method: clinical testing. Allele origin: germline.
Comment: This sequence change replaces phenylalanine, which is neutral and non-polar, with leucine, which is neutral and non-polar, at codon 267 of the PMS2 protein (p.Phe267Leu). This variant is present in population databases (no rsID available, gnomAD 0.01%). This variant has not been reported in the literature in individuals affected with PMS2-related conditions. ClinVar contains an entry for this variant (Variation ID: 234679). Invitae Evidence Modeling incorporating data from in vitro experimental studies (internal data) indicates that this missense variant is not expected to disrupt PMS2 function with a negative predictive value of 95%. In summary, the available evidence is currently insufficient to determine the role of this variant in disease. Therefore, it has been classified as a Variant of Uncertain Significance.

Quest Diagnostics Nichols Institute San Juan Capistrano
Classification: Uncertain significance. Last evaluated: 2021-05-13. Review status: criteria provided, single submitter. Criteria: Quest Diagnostics criteria. Collection method: clinical testing. Allele origin: unknown.

GeneDx
Classification: Uncertain significance. Last evaluated: 2015-12-15. Review status: criteria provided, single submitter. Criteria: GeneDx Variant Classification (06012015). Collection method: clinical testing. Allele origin: germline. Affected: yes.
Comment: This variant is denoted PMS2 c.799T>C at the cDNA level, p.Phe267Leu (F267L) at the protein level, and results in the change of a Phenylalanine to a Leucine (TTT>CTT). This variant has not, to our knowledge, been published in the literature as pathogenic or benign. PMS2 Phe267Leu was not observed in approximately 6,500 individuals of European and African American ancestry in the NHLBI Exome Sequencing Project, suggesting it is not a common benign variant in these populations. Since Phenylalanine and Leucine share similar properties, this is considered a conservative amino acid substitution. PMS2 Phe267Leu occurs at a position that is not conserved and is located in the ATPase domain (Fukui 2011). In silico analyses are inconsistent regarding the effect this variant may have on protein structure and function. Based on currently available evidence, it is unclear whether PMS2 Phe267Leu is a pathogenic or benign variant. We consider it to be a variant of uncertain significance.

NM_000535.7(PMS2):c.799T>C (p.Phe267Leu)

Gene: PMS2 (PMS1 homolog 2, mismatch repair system component; minus strand). Cytogenetic location: 7p22.1.
Variant type: single nucleotide variant.
Coding change: c.799T>C on transcript NM_000535.7 (MANE Select); coding-DNA position 799, T replaced by C.
Protein change: p.Phe267Leu; replaces phenylalanine 267 with leucine.
Molecular consequence: missense variant. On other transcripts: 5 prime UTR variant (2), non-coding transcript variant (1).
Genome position (GRCh38, 1-based): chr7:5,997,330, A>G on the plus strand (T>C on the coding strand, the complement: PMS2 is on the minus strand). VCF-style: chr7-5997330-A-G. GRCh37 (hg19) VCF-style: chr7-6036961-A-G.
Other names: c.394T>C, p.Phe132Leu (NM_001322003.2, NM_001322004.2, NM_001322005.2 and 2 more transcripts); c.799T>C, p.Phe267Leu (NM_001322006.2, NM_001322014.2); c.481T>C, p.Phe161Leu (NM_001322007.2, NM_001322008.2); c.-135T>C (NM_001322011.2, NM_001322012.2); c.226T>C, p.Phe76Leu (NM_001322013.2); c.490T>C, p.Phe164Leu (NM_001322015.2); short protein forms F267L, F164L, F132L, F76L, F161L.
Identifiers: ClinVar variation 234679 (VCV000234679.16), dbSNP rs876661158, ClinGen allele CA10577346.